The following is an entry in ClinVar:

NM_003620.4(PPM1D):c.1724_1725del (p.Ser575fs)

Gene: PPM1D (protein phosphatase, Mg2+/Mn2+ dependent 1D; plus strand). Cytogenetic location: 17q23.2.
Variant type: Microsatellite.
Coding change: c.1724_1725del on transcript NM_003620.4 (MANE Select); coding-DNA positions 1724 to 1725, 2 bases deleted (CT; older notation c.1724_1725delCT).
Protein change: p.Ser575fs; shifts the reading frame from serine 575.
Molecular consequence: frameshift variant.
Genome position (GRCh38, 1-based): chr17:60,663,458-60,663,459, CT deleted; deleting any 2 consecutive bases within chr17:60,663,456-60,663,459 gives the same sequence; the c. name uses the placement nearest the transcript's 3' end. VCF-style (leftmost placement, unchanged base first): chr17-60663455-ACT-A. GRCh37 (hg19) VCF-style: chr17-58740816-ACT-A.
Other names: c.1724_1725delCT (NM_003620.4); short protein forms S575fs.
Identifiers: ClinVar variation 3336004 (VCV003336004.1).
Genomic context (GRCh38, chr17:60,663,455, plus strand): 5'-GCTTAAGTCGAAGTAGTGGTGCTCAGCCTGCAAGTCTCCCCACAACCTCACAGCGAAAGA[ACT>A]CTGTTAAACTCACCATGCGACGCAGACTTAGGGGCCAGAAGAAAATTGGAAATCCTTTAC-3'

ClinVar aggregate classification (germline): Uncertain significance (1 of 4 stars; one submission).

Submission:

Women's Health and Genetics/Laboratory Corporation of America, LabCorp
Classification: Uncertain significance. Last evaluated: 2024-05-13. Review status: criteria provided, single submitter. Criteria: LabCorp Variant Classification Summary - May 2015. Collection method: clinical testing. Allele origin: germline.
Comment: Variant summary: PPM1D c.1724_1725delCT (p.Ser575CysfsX2) results in a premature termination codon in the last exon, predicted to cause a truncation of the encoded protein, however it is not expected to result in nonsense mediated decay. The variant was absent in 251198 control chromosomes. The available data on variant occurrences in the general population are insufficient to allow any conclusion about variant significance. To our knowledge, no occurrence of c.1724_1725delCT in individuals affected with Intellectual Developmental Disorder With Gastrointestinal Difficulties And High Pain Threshold (Jansen De Vries Syndrome) and no experimental evidence demonstrating its impact on protein function have been reported. No submitters have cited clinical-significance assessments for this variant to ClinVar. Based on the evidence outlined above, the variant was classified as uncertain significance.